The following is an entry in ClinVar:

NM_001378454.1(ALMS1):c.8488T>A (p.Cys2830Ser)

Gene: ALMS1 (ALMS1 centrosome and basal body associated protein; plus strand). Cytogenetic location: 2p13.1.
Variant type: single nucleotide variant.
Coding change: c.8488T>A on transcript NM_001378454.1 (MANE Select); coding-DNA position 8488, T replaced by A.
Protein change: p.Cys2830Ser; replaces cysteine 2830 with serine.
Molecular consequence: missense variant.
Genome position (GRCh38, 1-based): chr2:73,490,447, T>A. VCF-style: chr2-73490447-T-A. GRCh37 (hg19) VCF-style: chr2-73717574-T-A.
Other names: c.8491T>A, p.Cys2831Ser (NM_015120.4); short protein forms C2830S, C2831S.
Identifiers: ClinVar variation 1419698 (VCV001419698.5), dbSNP rs993209212, ClinGen allele CA50378678.

ClinVar aggregate classification (germline): Conflicting classifications of pathogenicity. Review status: criteria provided, conflicting classifications (1 of 4 stars). 2 submissions from 2 submitters: Uncertain significance (1); Likely benign (1). Last evaluated 2025-09-15.

Conditions:
Alstrom syndrome (ALMS). Identifiers: Orphanet 64, MedGen C0268425, MONDO:0008763, OMIM 203800.
Cardiovascular phenotype. Identifiers: MedGen CN230736.

Allele frequency attached by ClinVar (database versions not stated): TOPMed below 0.00001; gnomAD exomes 0.00001.

Submissions (2):

Labcorp Genetics (formerly Invitae), Labcorp
Classification: Uncertain significance for Alstrom syndrome. Last evaluated: 2025-09-15. Review status: criteria provided, single submitter. Criteria: Invitae Variant Classification Sherloc (09022015). Collection method: clinical testing. Allele origin: germline.
Comment: This sequence change replaces cysteine, which is neutral and slightly polar, with serine, which is neutral and polar, at codon 2831 of the ALMS1 protein (p.Cys2831Ser). This variant is present in population databases (no rsID available, gnomAD 0.003%). This variant has not been reported in the literature in individuals affected with ALMS1-related conditions. ClinVar contains an entry for this variant (Variation ID: 1419698). An algorithm developed to predict the effect of missense changes on protein structure and function outputs the following: PolyPhen-2: "Not Available". The serine amino acid residue is found in multiple mammalian species, which suggests that this missense change does not adversely affect protein function. In summary, the available evidence is currently insufficient to determine the role of this variant in disease. Therefore, it has been classified as a Variant of Uncertain Significance.

Ambry Genetics
Classification: Likely benign for Cardiovascular phenotype. Last evaluated: 2025-01-17. Review status: criteria provided, single submitter. Criteria: Ambry Variant Classification Scheme 2023. Collection method: clinical testing. Allele origin: germline.